The following is an entry in ClinVar:

ClinVar aggregate classification (germline): Uncertain significance. Review status: criteria provided, multiple submitters, no conflicts (2 of 4 stars). 3 submissions from 3 submitters: Uncertain significance (3). Last evaluated 2026-01-23.

Conditions:
Inborn genetic diseases. Identifiers: MedGen C0950123, MeSH D030342.

Allele frequency attached by ClinVar (database versions not stated): gnomAD 0.00001; ExAC 0.00003.
gnomAD v4.1: 72 of 1,609,892 alleles (0.0045%); highest among the groups gnomAD compares: Non-Finnish European, 0.006%; no homozygotes.

Submissions (3):

GeneDx
Classification: Uncertain significance. Last evaluated: 2026-01-23. Review status: criteria provided, single submitter. Criteria: GeneDx Variant Classification Process June 2021. Collection method: clinical testing. Allele origin: germline.
Comment: Not observed at significant frequency in large population cohorts (gnomAD); In silico analysis suggests that this missense variant does not alter protein structure/function; Has not been previously published as pathogenic or benign to our knowledge

Labcorp Genetics (formerly Invitae), Labcorp
Classification: Uncertain significance. Last evaluated: 2025-08-11. Review status: criteria provided, single submitter. Criteria: Invitae Variant Classification Sherloc (09022015). Collection method: clinical testing. Allele origin: germline.
Comment: This sequence change replaces glycine, which is neutral and non-polar, with alanine, which is neutral and non-polar, at codon 830 of the DCHS1 protein (p.Gly830Ala). This variant is present in population databases (rs769264786, gnomAD 0.004%). This variant has not been reported in the literature in individuals affected with DCHS1-related conditions. ClinVar contains an entry for this variant (Variation ID: 2357299). Invitae Evidence Modeling of protein sequence and biophysical properties (such as structural, functional, and spatial information, amino acid conservation, physicochemical variation, residue mobility, and thermodynamic stability) indicates that this missense variant is not expected to disrupt DCHS1 protein function with a negative predictive value of 80%. In summary, the available evidence is currently insufficient to determine the role of this variant in disease. Therefore, it has been classified as a Variant of Uncertain Significance.

Ambry Genetics
Classification: Uncertain significance for Inborn genetic diseases. Last evaluated: 2022-09-27. Review status: criteria provided, single submitter. Criteria: Ambry Variant Classification Scheme 2023. Collection method: clinical testing. Allele origin: germline.

NM_003737.4(DCHS1):c.2489G>C (p.Gly830Ala)

Gene: DCHS1 (dachsous cadherin-related 1; minus strand). Cytogenetic location: 11p15.4.
Variant type: single nucleotide variant.
Coding change: c.2489G>C on transcript NM_003737.4 (MANE Select); coding-DNA position 2489, G replaced by C.
Protein change: p.Gly830Ala; replaces glycine 830 with alanine.
Molecular consequence: missense variant.
Genome position (GRCh38, 1-based): chr11:6,633,023, C>G on the plus strand (G>C on the coding strand, the complement: DCHS1 is on the minus strand). VCF-style: chr11-6633023-C-G. GRCh37 (hg19) VCF-style: chr11-6654254-C-G.
Other names: c.2489G>C (NM_003737.3); short protein forms G830A.
Identifiers: ClinVar variation 2357299 (VCV002357299.6), dbSNP rs769264786, ClinGen allele CA5860711.